The following is an entry in ClinVar:

ClinVar aggregate classification (germline): Uncertain significance (1 of 4 stars; one submission).

gnomAD v4.1: 1 of 1,613,888 alleles (0.000062%); no homozygotes.

Submission:

Ambry Genetics
Classification: Uncertain significance. Last evaluated: 2026-09-14. Review status: criteria provided, single submitter. Criteria: Ambry Variant Classification Scheme 2023. Collection method: clinical testing. Allele origin: germline.
Comment: The p.I481S variant (also known as c.1442T>G), located in coding exon 15 of the SRP72 gene, results from a T to G substitution at nucleotide position 1442. The isoleucine at codon 481 is replaced by serine, an amino acid with dissimilar properties. This amino acid position is conserved. In addition, this alteration is predicted to be tolerated by in silico analysis. Based on the available evidence, the clinical significance of this variant remains unclear.

NM_006947.4(SRP72):c.1442T>G (p.Ile481Ser)

Gene: SRP72 (signal recognition particle 72; plus strand). Cytogenetic location: 4q12.
Variant type: single nucleotide variant.
Coding change: c.1442T>G on transcript NM_006947.4 (MANE Select); coding-DNA position 1442, T replaced by G.
Protein change: p.Ile481Ser; replaces isoleucine 481 with serine.
Molecular consequence: missense variant. On other transcripts: non-coding transcript variant (1).
Genome position (GRCh38, 1-based): chr4:56,490,585, T>G. VCF-style: chr4-56490585-T-G. GRCh37 (hg19) VCF-style: chr4-57356751-T-G.
Other names: c.1259T>G, p.Ile420Ser (NM_001267722.2); short protein forms I420S, I481S.
Identifiers: ClinVar variation 5030272 (VCV005030272.1).